The following is an entry in ClinVar:

ClinVar aggregate classification (germline): Likely benign (1 of 4 stars; one submission).

Allele frequency attached by ClinVar (database versions not stated): ExAC 0.00008; 1000 Genomes Project 30x 0.00062.

Submission:

CeGaT Center for Human Genetics Tuebingen
Classification: Likely benign. Last evaluated: 2022-06-01. Review status: criteria provided, single submitter. Criteria: CeGaT Center For Human Genetics Tuebingen Variant Classification Criteria Version 2. Collection method: clinical testing. Allele origin: germline. Affected: yes. Observed: 1 variant allele.
Comment: HRNR: BP4, BP7

NM_001009931.3(HRNR):c.1578A>G (p.Gln526=)

Genes: CCDST (cervical cancer associated DHX9 suppressive transcript; plus strand), HRNR (hornerin; minus strand). Cytogenetic location: 1q21.3.
Variant type: single nucleotide variant.
Coding change: c.1578A>G on transcript NM_001009931.3 (MANE Select); coding-DNA position 1578, A replaced by G.
Protein change: p.Gln526=; no amino-acid change (glutamine 526 retained).
Molecular consequence: synonymous variant.
Genome position (GRCh38, 1-based): chr1:152,220,051, T>C on the plus strand (A>G on the coding strand, the complement: HRNR is on the minus strand). VCF-style: chr1-152220051-T-C. GRCh37 (hg19) VCF-style: chr1-152192527-T-C.
Identifiers: ClinVar variation 2639213 (VCV002639213.24), dbSNP rs751303452, ClinGen allele CA1102098.
Genomic context (GRCh38, chr1:152,220,051, plus strand): 5'-GCCACGGCTAGGGCTAGGAGACTGGCCAGATCCAGACCCATGTCGGCTGTGTCCCAAAGA[T>C]TGACGGGAGCCAGACCCATGCTGACCATAGCTGGAAGATGAACCTGCACTAGATCCTTGT-3'
Protein context (NP_001009931.1, residues 516-536): SYGQHGSGSR[Gln526=]SLGHSRHGSG